The following is an entry in ClinVar:

NM_147127.5(EVC2):c.2056dup (p.Gln686fs)

Gene: EVC2 (EvC ciliary complex subunit 2; minus strand). Cytogenetic location: 4p16.2.
Variant type: Duplication.
Coding change: c.2056dup on transcript NM_147127.5 (MANE Select); coding-DNA position 2056, one base duplicated (C; older notation c.2056dupC).
Protein change: p.Gln686fs; shifts the reading frame from glutamine 686.
Molecular consequence: frameshift variant.
Genome position (GRCh38, 1-based): chr4:5,622,982, G duplicated on the plus strand (C on the coding strand, the reverse complement: EVC2 is on the minus strand). VCF-style (leftmost placement, unchanged base first): chr4-5622981-T-TG. GRCh37 (hg19) VCF-style: chr4-5624708-T-TG.
Other names: c.2056dupC (NM_147127.5); c.1816dup, p.Gln606fs (NM_001166136.2); c.2056dup (NM_147127.4); short protein forms Q686fs, Q606fs.
Identifiers: ClinVar variation 3382 (VCV000003382.13), dbSNP rs1265421045, ClinGen allele CA549398075.

ClinVar aggregate classification (germline): Pathogenic. Review status: criteria provided, multiple submitters, no conflicts (2 of 4 stars). 3 submissions from 3 submitters: Pathogenic (2). 1 of the submissions does not count toward it. Last evaluated 2022-05-09.

Conditions:
Ellis-van Creveld syndrome (EVC). Also called: MESOECTODERMAL DYSPLASIA; EVC-Related Ellis-van Creveld Syndrome; EVC2-Related Ellis-van Creveld Syndrome; Chondroectodermal dysplasia. Identifiers: Orphanet 289, MedGen C0013903, MONDO:0009162, OMIM 225500.
Curry-Hall syndrome (WAD). Also called: WEYERS ACRODENTAL DYSOSTOSIS. Identifiers: Orphanet 952, MedGen C0457013, MONDO:0008673, OMIM 193530.

Allele frequency attached by ClinVar (database versions not stated): gnomAD exomes below 0.00001 and 0.00001.

Submissions (3):

Kasturba Medical College, Manipal, Kasturba Medical College, Manipal, Manipal Academy of Higher Education, Manipal, India
Classification: Pathogenic for Ellis-van Creveld syndrome. Last evaluated: 2022-05-09. Review status: criteria provided, single submitter. Criteria: ACMG Guidelines, 2015. Collection method: clinical testing. Allele origin: germline. Affected: yes.

Labcorp Genetics (formerly Invitae), Labcorp
Classification: Pathogenic for Curry-Hall syndrome; Ellis-van Creveld syndrome. Last evaluated: 2021-08-21. Review status: criteria provided, single submitter. Criteria: Invitae Variant Classification Sherloc (09022015). Collection method: clinical testing. Allele origin: germline.
Comment: Loss-of-function variants in EVC2 are known to be pathogenic (PMID: 17024374, 19810119, 19876929). For these reasons, this variant has been classified as Pathogenic. This variant has been observed in an individual affected with Ellis-van Creveld syndrome (PMID: 12571802). This sequence change creates a premature translational stop signal (p.Gln686Profs*3) in the EVC2 gene. It is expected to result in an absent or disrupted protein product. This variant is not present in population databases (ExAC no frequency).

OMIM
Classification: Pathogenic for ELLIS-VAN CREVELD SYNDROME. Last evaluated: 2003-03-01. Review status: no assertion criteria provided. Collection method: literature only. Allele origin: germline. Not counted in ClinVar's aggregate classification.

Literature cited by the submitters: PubMed 17024374 (cited by Labcorp Genetics (formerly Invitae), Labcorp); PubMed 19810119 (cited by Labcorp Genetics (formerly Invitae), Labcorp); PubMed 19876929 (cited by Labcorp Genetics (formerly Invitae), Labcorp); PubMed 12571802 (cited by Labcorp Genetics (formerly Invitae), Labcorp and OMIM).